The following is an entry in ClinVar:

ClinVar aggregate classification (germline): Conflicting classifications of pathogenicity. Review status: criteria provided, conflicting classifications (1 of 4 stars). 3 submissions from 3 submitters: Uncertain significance (1); Likely benign (2). Last evaluated 2025-07-29.

Conditions:
Arrhythmogenic right ventricular dysplasia 8 (ARVD8). Also called: ARRHYTHMOGENIC RIGHT VENTRICULAR DYSPLASIA, FAMILIAL, 8; ARRHYTHMOGENIC RIGHT VENTRICULAR CARDIOMYOPATHY 8; Arrhythmogenic Right Ventricular Dysplasia/Cardiomyopathy 8. Identifiers: MedGen C1843896, MONDO:0011831, OMIM 607450.
Arrhythmogenic cardiomyopathy with wooly hair and keratoderma. Also called: Arrhythmogenic cardiomyopathy with woolly hair and keratoderma; PALMOPLANTAR KERATODERMA WITH LEFT VENTRICULAR CARDIOMYOPATHY AND WOOLLY HAIR; Carvajal syndrome; Dilated cardiomyopathy with woolly hair and keratoderma. Identifiers: Orphanet 65282, MedGen C1854063, MONDO:0011581, OMIM 605676.
Cardiomyopathy (CMYO). Also called: Cardiomyopathies. Identifiers: Orphanet 167848, MedGen C0878544, MONDO:0004994, HP:0001638. Inheritance: Various modes of inheritance.

Allele frequency attached by ClinVar (database versions not stated): TOPMed below 0.00001; ExAC 0.00001; gnomAD exomes 0.00001 and 0.00002.
gnomAD v4.1: 11 of 1,614,160 alleles (0.00068%); highest among the groups gnomAD compares: South Asian, 0.0099%; no homozygotes.

Submissions (3):

Color Diagnostics, LLC DBA Color Health
Classification: Likely benign for Cardiomyopathy. Last evaluated: 2025-07-29. Review status: criteria provided, single submitter. Criteria: ACMG Guidelines, 2015. Collection method: clinical testing. Allele origin: germline.

All of Us Research Program, National Institutes of Health
Classification: Uncertain significance for Arrhythmogenic cardiomyopathy with wooly hair and keratoderma. Last evaluated: 2023-05-16. Review status: criteria provided, single submitter. Criteria: ACMG Guidelines, 2015. Collection method: clinical testing. Allele origin: germline. Inheritance: Autosomal dominant inheritance. Observed: 1 variant allele, 1 heterozygote.
Comment: This missense variant replaces aspartic acid with asparagine at codon 582 of the DSP protein. Computational prediction suggests that this variant may not impact protein structure and function (internally defined REVEL score threshold <= 0.5, PMID: 27666373). To our knowledge, functional studies have not been reported for this variant. This variant has not been reported in individuals affected with DSP-related disorders in the literature. This variant has been identified in 4/251304 chromosomes in the general population by the Genome Aggregation Database (gnomAD). The available evidence is insufficient to determine the role of this variant in disease conclusively. Therefore, this variant is classified as a Variant of Uncertain Significance.

This study involves interpretation of variants in research participants for the purpose of population health screening. Participant phenotype was not available at the time of variant classification. Additional details can be found in publication PMID: 35346344, PMCID: PMC8962531

Labcorp Genetics (formerly Invitae), Labcorp
Classification: Likely benign for Arrhythmogenic cardiomyopathy with wooly hair and keratoderma; Arrhythmogenic right ventricular dysplasia 8. Last evaluated: 2022-08-23. Review status: criteria provided, single submitter. Criteria: Invitae Variant Classification Sherloc (09022015). Collection method: clinical testing. Allele origin: germline.

NM_004415.4(DSP):c.1744G>A (p.Asp582Asn)

Gene: DSP (desmoplakin; plus strand). Cytogenetic location: 6p24.3.
Variant type: single nucleotide variant.
Coding change: c.1744G>A on transcript NM_004415.4 (MANE Select); coding-DNA position 1744, G replaced by A.
Protein change: p.Asp582Asn; replaces aspartic acid 582 with asparagine.
Molecular consequence: missense variant.
Genome position (GRCh38, 1-based): chr6:7,571,425, G>A. VCF-style: chr6-7571425-G-A. GRCh37 (hg19) VCF-style: chr6-7571658-G-A.
Other names: c.1744G>A, p.Asp582Asn (NM_001008844.3, NM_001319034.2); short protein forms D582N.
Identifiers: ClinVar variation 1434282 (VCV001434282.10), dbSNP rs756671027, ClinGen allele CA029953.